The following is an entry in ClinVar:

NM_001164508.2(NEB):c.22804A>T (p.Lys7602Ter)

Genes: RIF1 (replication timing regulatory factor 1; plus strand), NEB (nebulin; minus strand). Cytogenetic location: 2q23.3.
Variant type: single nucleotide variant.
Coding change: c.22804A>T on transcript NM_001164508.2 (MANE Select); coding-DNA position 22804, A replaced by T.
Protein change: p.Lys7602Ter; replaces lysine 7602 with a stop codon.
Molecular consequence: nonsense.
Genome position (GRCh38, 1-based): chr2:151,516,560, T>A on the plus strand (A>T on the coding strand, the complement: NEB is on the minus strand). VCF-style: chr2-151516560-T-A. GRCh37 (hg19) VCF-style: chr2-152373074-T-A.
Other names: c.22804A>T, p.Lys7602Ter (NM_001164507.2); c.22909A>T, p.Lys7637Ter (NM_001271208.2); c.17701A>T, p.Lys5901Ter (NM_004543.5); short protein forms K5901*, K7602*, K7637*.
Identifiers: ClinVar variation 1725467 (VCV001725467.2), dbSNP rs2552085447, ClinGen allele CA348758615.

ClinVar aggregate classification (germline): Likely pathogenic (1 of 4 stars; one submission).

Conditions:
Nemaline myopathy 2 (NEM2). Also called: Nemaline myopathy 2, autosomal recessive. Identifiers: MedGen C1850569, MONDO:0009725, OMIM 256030.

Submission:

Myriad Genetics, Inc.
Classification: Likely pathogenic for Nemaline myopathy 2. Last evaluated: 2022-03-27. Review status: criteria provided, single submitter. Criteria: Myriad Women's Health Autosomal Recessive and X-Linked Classification Criteria (2021). Collection method: clinical testing. Allele origin: unknown.
Comment: NM_001271208.1(NEB):c.22909A>T(K7637*) is expected to be pathogenic in the context of NEB-related nemaline myopathy. This variant is predicted to lead to an abnormal or absent protein product due to the creation of a premature termination codon in NEB, a gene where loss-of-function variants are known to be pathogenic. Please note: this variant was assessed in the context of healthy population screening.